The following is an entry in ClinVar:

NM_015021.3(ZNF292):c.7168A>G (p.Ile2390Val)

Gene: ZNF292 (zinc finger protein 292; plus strand). Cytogenetic location: 6q14.3.
Variant type: single nucleotide variant.
Coding change: c.7168A>G on transcript NM_015021.3 (MANE Select); coding-DNA position 7168, A replaced by G.
Protein change: p.Ile2390Val; replaces isoleucine 2390 with valine.
Molecular consequence: missense variant.
Genome position (GRCh38, 1-based): chr6:87,260,797, A>G. VCF-style: chr6-87260797-A-G. GRCh37 (hg19) VCF-style: chr6-87970515-A-G.
Other names: c.6748A>G, p.Ile2250Val (NM_001351444.2); short protein forms I2250V, I2390V.
Identifiers: ClinVar variation 3378077 (VCV003378077.1).

ClinVar aggregate classification (germline): Uncertain significance (1 of 4 stars; one submission).

gnomAD v4.1: 3 of 1,613,076 alleles (0.00019%); highest among the groups gnomAD compares: African/African-American, 0.004%; no homozygotes.

Submission:

GeneDx
Classification: Uncertain significance. Last evaluated: 2024-05-12. Review status: criteria provided, single submitter. Criteria: GeneDx Variant Classification Process June 2021. Collection method: clinical testing. Allele origin: germline. Affected: yes.
Comment: Not observed at significant frequency in large population cohorts (gnomAD); In silico analysis indicates that this missense variant does not alter protein structure/function; Has not been previously published as pathogenic or benign to our knowledge